The following is an entry in ClinVar:

NM_001282531.3(ADNP):c.2419_2423del (p.Lys807fs)

Gene: ADNP (activity dependent neuroprotector homeobox; minus strand). Cytogenetic location: 20q13.13.
Variant type: Deletion.
Coding change: c.2419_2423del on transcript NM_001282531.3 (MANE Select); coding-DNA positions 2419 to 2423, 5 bases deleted (AAAAG; older notation c.2419_2423delAAAAG).
Protein change: p.Lys807fs; shifts the reading frame from lysine 807.
Molecular consequence: frameshift variant.
Genome position (GRCh38, 1-based): chr20:50,892,291-50,892,295, CTTTT deleted on the plus strand (AAAAG on the coding strand, the reverse complement: ADNP is on the minus strand). VCF-style (leftmost placement, unchanged base first): chr20-50892290-CCTTTT-C. GRCh37 (hg19) VCF-style: chr20-49508827-CCTTTT-C.
Other names: c.2419_2423del, p.Lys807fs (NM_001282532.2, NM_001347511.2, NM_015339.5 and 1 more transcripts); short protein forms K807fs.
Identifiers: ClinVar variation 2760576 (VCV002760576.3), dbSNP rs2515578564, ClinGen allele CA2695229850.

ClinVar aggregate classification (germline): Pathogenic (1 of 4 stars; one submission).

Submission:

Labcorp Genetics (formerly Invitae), Labcorp
Classification: Pathogenic. Last evaluated: 2025-03-17. Review status: criteria provided, single submitter. Criteria: Invitae Variant Classification Sherloc (09022015). Collection method: clinical testing. Allele origin: germline.
Comment: This sequence change creates a premature translational stop signal (p.Lys807Glufs*6) in the ADNP gene. While this is not anticipated to result in nonsense mediated decay, it is expected to disrupt the last 296 amino acid(s) of the ADNP protein. This variant is not present in population databases (gnomAD no frequency). This premature translational stop signal has been observed in individual(s) with ADNP-related conditions (PMID: 31029150). ClinVar contains an entry for this variant (Variation ID: 2760576). This variant disrupts a region of the ADNP protein in which other variant(s) (p.Asn832Lysfs*81) have been determined to be pathogenic (PMID: 24531329, 28221363, 32275126; internal data). This suggests that this is a clinically significant region of the protein, and that variants that disrupt it are likely to be disease-causing. For these reasons, this variant has been classified as Pathogenic.

Literature cited by the submitters: PubMed 31029150; PubMed 24531329; PubMed 28221363; PubMed 32275126.